The following is an entry in ClinVar:

NM_000540.3(RYR1):c.9123-14T>G

Gene: RYR1 (ryanodine receptor 1; plus strand). Cytogenetic location: 19q13.2.
Variant type: single nucleotide variant.
Coding change: c.9123-14T>G on transcript NM_000540.3 (MANE Select); 14 bases into the intron before coding-DNA position 9123, T replaced by G.
Molecular consequence: intron variant.
Genome position (GRCh38, 1-based): chr19:38,511,547, T>G. VCF-style: chr19-38511547-T-G. GRCh37 (hg19) VCF-style: chr19-39002187-T-G.
Other names: c.9123-14T>G (NM_001042723.2).
Identifiers: ClinVar variation 1530241 (VCV001530241.11), dbSNP rs2145659049, ClinGen allele CA2573156332.
Genomic context (GRCh38, chr19:38,511,547, plus strand): 5'-GTCACGCTGTCCTCGTCTCCTTGGCCTCCTCACTCGCTGTTTCTCCTGCCTTCTGTCCCT[T>G]TCTCTTTCTTCAGCCTCTTCTGCAAACTTGCTGCTCTCGTCCGCCACCGAGTCTCTCTCT-3'

ClinVar aggregate classification (germline): Conflicting classifications of pathogenicity. Review status: criteria provided, conflicting classifications (1 of 4 stars). 3 submissions from 3 submitters: Uncertain significance (2); Likely benign (1). Last evaluated 2023-10-02.

Conditions:
RYR1-related disorder. Also called: RYR1-related condition; RYR1-related disorders. Identifiers: MedGen CN239331.
Malignant hyperthermia, susceptibility to, 1 (MHS1). Also called: RYR1-Related Malignant Hyperthermia Susceptibility; Anesthesia related hyperthermia; Malignant hyperpyrexia; Fulminating hyperpyrexia; Pharmacogenic myopathy; Malignant hyperthermia suceptibility 1. Identifiers: Orphanet 423, MedGen C2930980, MONDO:0007783, OMIM 145600.

Allele frequency attached by ClinVar (database versions not stated): gnomAD exomes below 0.00001.
gnomAD v4.1: 1 of 1,613,674 alleles (0.000062%); highest among the groups gnomAD compares: Non-Finnish European, 0.000085%; no homozygotes.

Submissions (3):

All of Us Research Program, National Institutes of Health
Classification: Uncertain significance for Malignant hyperthermia, susceptibility to, 1. Last evaluated: 2023-10-02. Review status: criteria provided, single submitter. Criteria: ACMG Guidelines, 2015. Collection method: clinical testing. Allele origin: germline. Inheritance: Autosomal dominant inheritance. Observed: 1 variant allele, 1 heterozygote.
Comment: This variant causes a T to G nucleotide substitution at the -14 position of intron 60 of the RYR1 gene. To our knowledge, functional studies have not been reported for this variant. This variant has not been reported in individuals affected with RYR1-related disorders in the literature. This variant has not been identified in the general population by the Genome Aggregation Database (gnomAD). The available evidence is insufficient to determine the role of this variant in disease conclusively. Therefore, this variant is classified as a Variant of Uncertain Significance.

This study involves interpretation of variants in research participants for the purpose of population health screening. Participant phenotype was not available at the time of variant classification. Additional details can be found in publication PMID: 35346344, PMCID: PMC8962531

Color Diagnostics, LLC DBA Color Health
Classification: Uncertain significance for Malignant hyperthermia, susceptibility to, 1. Last evaluated: 2023-08-03. Review status: criteria provided, single submitter. Criteria: ACMG Guidelines, 2015. Collection method: clinical testing. Allele origin: germline.
Comment: This variant causes a T to G nucleotide substitution at the -14 position of intron 60 of the RYR1 gene. To our knowledge, functional studies have not been reported for this variant. This variant has not been reported in individuals affected with RYR1-related disorders in the literature. This variant has not been identified in the general population by the Genome Aggregation Database (gnomAD). The available evidence is insufficient to determine the role of this variant in disease conclusively. Therefore, this variant is classified as a Variant of Uncertain Significance.

Labcorp Genetics (formerly Invitae), Labcorp
Classification: Likely benign for RYR1-related disorder. Last evaluated: 2021-08-15. Review status: criteria provided, single submitter. Criteria: Invitae Variant Classification Sherloc (09022015). Collection method: clinical testing. Allele origin: germline.